The following is an entry in ClinVar:

ClinVar aggregate classification (germline): Uncertain significance (1 of 4 stars; one submission).

Conditions:
Familial thoracic aortic aneurysm and aortic dissection (TAAD). Also called: Thoracic aortic aneurysms and dissections. Identifiers: Orphanet 91387, MedGen C4707243, MONDO:0019625.

Submission:

Color Diagnostics, LLC DBA Color Health
Classification: Uncertain significance for Familial thoracic aortic aneurysm and aortic dissection. Last evaluated: 2023-12-05. Review status: criteria provided, single submitter. Criteria: ACMG Guidelines, 2015. Collection method: clinical testing. Allele origin: germline.
Comment: This missense variant replaces isoleucine with methionine at codon 2110 of the FBN1 protein. Computational prediction tools and conservation analyses are inconclusive regarding the impact of this variant on the protein function. Computational splicing tools suggest that this variant may not impact RNA splicing. To our knowledge, functional assays have not been performed for this variant nor has this variant been reported in individuals affected with cardiovascular disorders in the literature. This variant has not been identified in the general population by the Genome Aggregation Database (gnomAD). Available evidence is insufficient to determine the role of this variant in disease conclusively. Therefore, this variant is classified as a Variant of Uncertain Significance.

NM_000138.5(FBN1):c.6330A>G (p.Ile2110Met)

Gene: FBN1 (fibrillin 1; minus strand). Cytogenetic location: 15q21.1.
Variant type: single nucleotide variant.
Coding change: c.6330A>G on transcript NM_000138.5 (MANE Select); coding-DNA position 6330, A replaced by G.
Protein change: p.Ile2110Met; replaces isoleucine 2110 with methionine.
Molecular consequence: missense variant.
Genome position (GRCh38, 1-based): chr15:48,437,371, T>C on the plus strand (A>G on the coding strand, the complement: FBN1 is on the minus strand). VCF-style: chr15-48437371-T-C. GRCh37 (hg19) VCF-style: chr15-48729568-T-C.
Other names: short protein forms I2110M.
Identifiers: ClinVar variation 924334 (VCV000924334.5), dbSNP rs2043081649, ClinGen allele CA392336836.